The following is an entry in ClinVar:

ClinVar aggregate classification (germline): Benign. Review status: criteria provided, single submitter (1 of 4 stars). 2 submissions from 2 submitters: Benign (1). 1 of the submissions does not count toward it. Last evaluated 2025-11-16.

Conditions:
SLC34A2-related disorder. Also called: SLC34A2-related condition.

Allele frequency attached by ClinVar (database versions not stated): gnomAD exomes 0.00041; ExAC 0.00127; 1000 Genomes Project 30x 0.00375; 1000 Genomes Project 0.00399; gnomAD 0.00454; TOPMed 0.00523; ESP Exome Variant Server 0.00584.
gnomAD v4.1: 1,309 of 1,614,154 alleles (0.081%); highest among the groups gnomAD compares: African/African-American, 1.6%; 10 homozygotes.

Submissions (2):

Labcorp Genetics (formerly Invitae), Labcorp
Classification: Benign. Last evaluated: 2025-11-16. Review status: criteria provided, single submitter. Criteria: Invitae Variant Classification Sherloc (09022015). Collection method: clinical testing. Allele origin: germline.

PreventionGenetics, part of Exact Sciences
Classification: Benign for SLC34A2-related condition. Last evaluated: 2019-05-17. Review status: no assertion criteria provided. Collection method: clinical testing. Allele origin: germline. Not counted in ClinVar's aggregate classification.
Comment: This variant is classified as benign based on ACMG/AMP sequence variant interpretation guidelines (Richards et al. 2015 PMID: 25741868, with internal and published modifications).

NM_006424.3(SLC34A2):c.99A>G (p.Lys33=)

Gene: SLC34A2 (solute carrier family 34 member 2; plus strand). Cytogenetic location: 4p15.2.
Variant type: single nucleotide variant.
Coding change: c.99A>G on transcript NM_006424.3 (MANE Select); coding-DNA position 99, A replaced by G.
Protein change: p.Lys33=; no amino-acid change (lysine 33 retained).
Molecular consequence: synonymous variant.
Genome position (GRCh38, 1-based): chr4:25,662,599, A>G. VCF-style: chr4-25662599-A-G. GRCh37 (hg19) VCF-style: chr4-25664221-A-G.
Other names: c.99A>G, p.Lys33= (NM_001177998.2, NM_001177999.2); c.99A>G (NM_006424.2).
Identifiers: ClinVar variation 2042856 (VCV002042856.6), dbSNP rs114389632, ClinGen allele CA2879324.
Genomic context (GRCh38, chr4:25,662,599, plus strand): 5'-CCCCGATAAGTACCTCGAAGGGGCCGCAGGTCAGCAGCCCACTGCCCCTGATAAAAGCAA[A>G]GAGACCAACAAAAGTAAGTGTCGCTCGTTTGTCTGCAGATCGGCCTTTGTGAGGACCCCA-3'
Protein context (NP_006415.3, residues 23-43): GQQPTAPDKS[Lys33=]ETNKTDNTEA